The following is an entry in ClinVar:

NM_016507.4(CDK12):c.1916A>T (p.Asp639Val)

Gene: CDK12 (cyclin dependent kinase 12; plus strand). Cytogenetic location: 17q12.
Variant type: single nucleotide variant.
Coding change: c.1916A>T on transcript NM_016507.4 (MANE Select); coding-DNA position 1916, A replaced by T.
Protein change: p.Asp639Val; replaces aspartic acid 639 with valine.
Molecular consequence: missense variant.
Genome position (GRCh38, 1-based): chr17:39,471,748, A>T. VCF-style: chr17-39471748-A-T. GRCh37 (hg19) VCF-style: chr17-37628001-A-T.
Other names: c.1916A>T, p.Asp639Val (NM_015083.4); short protein forms D639V.
Identifiers: ClinVar variation 3830479 (VCV003830479.1).
Genomic context (GRCh38, chr17:39,471,748, plus strand): 5'-TTCCACACCTGAAAACTTCAACGTTGCCTCCTTTGCCCCTCCCACCCTTATTACCTGGAG[A>T]TGATGACATGGATAGGTAAGTCCTATAGTGAACTGGAAAAAACCCCCTTGATCTAAACAT-3'
Protein context (NP_057591.2, residues 629-649): PLPLPPLLPG[Asp639Val]DDMDSPKETL

ClinVar aggregate classification (germline): Uncertain significance (1 of 4 stars; one submission).

Submission:

Ambry Genetics
Classification: Uncertain significance. Last evaluated: 2025-01-10. Review status: criteria provided, single submitter. Criteria: Ambry Variant Classification Scheme 2023. Collection method: clinical testing. Allele origin: germline.
Comment: The p.D639V variant (also known as c.1916A>T), located in coding exon 2 of the CDK12 gene, results from an A to T substitution at nucleotide position 1916. The aspartic acid at codon 639 is replaced by valine, an amino acid with highly dissimilar properties. This amino acid position is conserved. In addition, this alteration is predicted to be tolerated by in silico analysis. Based on the available evidence, the clinical significance of this variant remains unclear.